The following is an entry in ClinVar:

NM_198253.3(TERT):c.1787T>G (p.Val596Gly)

Gene: TERT (telomerase reverse transcriptase; minus strand). Cytogenetic location: 5p15.33.
Variant type: single nucleotide variant.
Coding change: c.1787T>G on transcript NM_198253.3 (MANE Select); coding-DNA position 1787, T replaced by G.
Protein change: p.Val596Gly; replaces valine 596 with glycine.
Molecular consequence: missense variant. On other transcripts: non-coding transcript variant (2).
Genome position (GRCh38, 1-based): chr5:1,280,321, A>C on the plus strand (T>G on the coding strand, the complement: TERT is on the minus strand). VCF-style: chr5-1280321-A-C. GRCh37 (hg19) VCF-style: chr5-1280436-A-C.
Other names: c.1787T>G (NM_198253.2); c.1787T>G, p.Val596Gly (NM_001193376.3); short protein forms V596G.
Identifiers: ClinVar variation 1044761 (VCV001044761.10), dbSNP rs1463357127, ClinGen allele CA359082082.

ClinVar aggregate classification (germline): Uncertain significance. Review status: criteria provided, multiple submitters, no conflicts (2 of 4 stars). 2 submissions from 2 submitters: Uncertain significance (2). Last evaluated 2025-09-26.

Conditions:
Dyskeratosis congenita, autosomal dominant 2. Identifiers: MedGen C3151443, MONDO:0013521, OMIM 613989.
Idiopathic Pulmonary Fibrosis. Also called: Idiopathic fibrosing alveolitis, chronic form; idiopathic fibrosing alveolitis. Identifiers: Orphanet 2032, MedGen C1800706, MeSH D054990, MONDO:0800504.
Dyskeratosis congenita. Identifiers: Orphanet 1775, MedGen C0265965, MONDO:0015780.

Allele frequency attached by ClinVar (database versions not stated): gnomAD exomes below 0.00001.
gnomAD v4.1: 1 of 1,613,184 alleles (0.000062%); highest among the groups gnomAD compares: East Asian, 0.0022%; no homozygotes.

Submissions (2):

Ambry Genetics
Classification: Uncertain significance for Dyskeratosis congenita. Last evaluated: 2025-09-26. Review status: criteria provided, single submitter. Criteria: Ambry Variant Classification Scheme 2023. Collection method: clinical testing. Allele origin: germline.
Comment: The p.V596G variant (also known as c.1787T>G), located in coding exon 4 of the TERT gene, results from a T to G substitution at nucleotide position 1787. The valine at codon 596 is replaced by glycine, an amino acid with dissimilar properties. This amino acid position is conserved. In addition, this alteration is predicted to be deleterious by in silico analysis. Based on the available evidence, the clinical significance of this variant remains unclear.

Labcorp Genetics (formerly Invitae), Labcorp
Classification: Uncertain significance for Dyskeratosis congenita, autosomal dominant 2; Idiopathic Pulmonary Fibrosis. Last evaluated: 2022-03-07. Review status: criteria provided, single submitter. Criteria: Invitae Variant Classification Sherloc (09022015). Collection method: clinical testing. Allele origin: germline.
Comment: In summary, the available evidence is currently insufficient to determine the role of this variant in disease. Therefore, it has been classified as a Variant of Uncertain Significance. Advanced modeling of protein sequence and biophysical properties (such as structural, functional, and spatial information, amino acid conservation, physicochemical variation, residue mobility, and thermodynamic stability) performed at Invitae indicates that this missense variant is expected to disrupt TERT protein function. ClinVar contains an entry for this variant (Variation ID: 1044761). This variant has not been reported in the literature in individuals affected with TERT-related conditions. This variant is present in population databases (no rsID available, gnomAD 0.006%). This sequence change replaces valine, which is neutral and non-polar, with glycine, which is neutral and non-polar, at codon 596 of the TERT protein (p.Val596Gly).